The following is an entry in ClinVar:

ClinVar aggregate classification (germline): Uncertain significance (1 of 4 stars; one submission).

Submission:

GeneDx
Classification: Uncertain significance. Last evaluated: 2022-03-29. Review status: criteria provided, single submitter. Criteria: GeneDx Variant Classification Process June 2021. Collection method: clinical testing. Allele origin: germline. Affected: yes.
Comment: Not observed at significant frequency in large population cohorts (gnomAD); In silico analysis supports that this missense variant has a deleterious effect on protein structure/function; Has not been previously published as pathogenic or benign to our knowledge

NM_001385012.1(NBEA):c.2651G>A (p.Arg884Lys)

Gene: NBEA (neurobeachin; plus strand). Cytogenetic location: 13q13.3.
Variant type: single nucleotide variant.
Coding change: c.2651G>A on transcript NM_001385012.1 (MANE Select); coding-DNA position 2651, G replaced by A.
Protein change: p.Arg884Lys; replaces arginine 884 with lysine.
Molecular consequence: missense variant.
Genome position (GRCh38, 1-based): chr13:35,156,206, G>A. VCF-style: chr13-35156206-G-A. GRCh37 (hg19) VCF-style: chr13-35730343-G-A.
Other names: c.2651G>A, p.Arg884Lys (NM_001379245.1, NM_015678.5); short protein forms R884K.
Identifiers: ClinVar variation 1710756 (VCV001710756.2), dbSNP rs2503580026, ClinGen allele CA387835333.